The following is an entry in ClinVar:

ClinVar aggregate classification (germline): Likely benign. Review status: criteria provided, multiple submitters, no conflicts (2 of 4 stars). 3 submissions from 3 submitters: Likely benign (3). Last evaluated 2026-01-26.

Conditions:
Congenital adrenal hyperplasia due to cytochrome P450 oxidoreductase deficiency. Also called: DISORDERED STEROIDOGENESIS DUE TO POR DEFICIENCY. Identifiers: Orphanet 95699, MedGen C1860042, MONDO:0013310, OMIM 613571.

Allele frequency attached by ClinVar (database versions not stated): gnomAD 0.00006; TOPMed 0.00007.
gnomAD v4.1: 212 of 1,567,024 alleles (0.014%); highest among the groups gnomAD compares: Middle Eastern, 0.083%; no homozygotes.

Submissions (3):

Labcorp Genetics (formerly Invitae), Labcorp
Classification: Likely benign for Congenital adrenal hyperplasia due to cytochrome P450 oxidoreductase deficiency. Last evaluated: 2026-01-26. Review status: criteria provided, single submitter. Criteria: Invitae Variant Classification Sherloc (09022015). Collection method: clinical testing. Allele origin: germline.

Blueprint Genetics
Classification: Likely benign. Last evaluated: 2023-11-09. Review status: criteria provided, single submitter. Criteria: ACMG Guidelines, 2015. Collection method: clinical testing. Allele origin: germline.

CeGaT Center for Human Genetics Tuebingen
Classification: Likely benign. Last evaluated: 2022-06-01. Review status: criteria provided, single submitter. Criteria: CeGaT Center For Human Genetics Tuebingen Variant Classification Criteria Version 2. Collection method: clinical testing. Allele origin: germline. Affected: yes. Observed: 1 variant allele.
Comment: POR: BP4, BP7

NM_001395413.1(POR):c.1605C>T (p.Thr535=)

Gene: POR (cytochrome p450 oxidoreductase; plus strand). Cytogenetic location: 7q11.23.
Variant type: single nucleotide variant.
Coding change: c.1605C>T on transcript NM_001395413.1 (MANE Select); coding-DNA position 1605, C replaced by T.
Protein change: p.Thr535=; no amino-acid change (threonine 535 retained).
Molecular consequence: synonymous variant.
Genome position (GRCh38, 1-based): chr7:75,985,794, C>T. VCF-style: chr7-75985794-C-T. GRCh37 (hg19) VCF-style: chr7-75615112-C-T.
Other names: c.1614C>T, p.Thr538= (NM_000941.3); c.1605C>T, p.Thr535= (NM_001367562.3, NM_001382657.2, NM_001382658.3 and 1 more transcripts); c.1659C>T, p.Thr553= (NM_001382655.3); c.1455C>T, p.Thr485= (NM_001382662.3).
Identifiers: ClinVar variation 2044354 (VCV002044354.29), dbSNP rs781794995, ClinGen allele CA4304205.